The following is an entry in ClinVar:

ClinVar aggregate classification (germline): Pathogenic (1 of 4 stars; one submission).

Submission:

GeneDx
Classification: Pathogenic. Last evaluated: 2024-07-17. Review status: criteria provided, single submitter. Criteria: GeneDx Variant Classification Process June 2021. Collection method: clinical testing. Allele origin: germline. Affected: yes.
Comment: Frameshift variant predicted to result in protein truncation or nonsense mediated decay in a gene for which loss of function is a known mechanism of disease; Not observed at significant frequency in large population cohorts (gnomAD); This variant is associated with the following publications: (PMID: 15840476, 15466642, 19841300)

NM_000238.4(KCNH2):c.395_456del (p.Val132fs)

Gene: KCNH2 (potassium voltage-gated channel subfamily H member 2; minus strand). Cytogenetic location: 7q36.1.
Variant type: Deletion.
Coding change: c.395_456del on transcript NM_000238.4 (MANE Select); coding-DNA positions 395 to 456, 62 bases deleted.
Protein change: p.Val132fs; shifts the reading frame from valine 132.
Molecular consequence: frameshift variant.
Genome position (GRCh38, 1-based): chr7:150,959,588-150,959,649, 62 bases deleted. GRCh37 (hg19): chr7:150,656,676-150,656,737.
Other names: c.395_456delTGATGGAGAAGGACATGGTGGGGTCCCCGGCTCATGACACCAACCACCGGGGCCCCCCCACC (NM_000238.2); c.107_168del62, p.Val36Glufs (NM_001406753.1, NM_001406756.1); c.218_279del62, p.Val73Glufs (NM_001406755.1); c.95_156del62, p.Val32Glufs (NM_001406757.1); c.395_456del62, p.Val132Glufs (NM_172056.3); short protein forms V132fs.
Identifiers: ClinVar variation 418670 (VCV000418670.7), dbSNP rs1554428178, ClinGen allele CA16618415.